The following is an entry in ClinVar:

ClinVar aggregate classification (germline): Likely benign (1 of 4 stars; one submission).

Submission:

CeGaT Center for Human Genetics Tuebingen
Classification: Likely benign. Last evaluated: 2025-12-01. Review status: criteria provided, single submitter. Criteria: CeGaT Center For Human Genetics Tuebingen Variant Classification Criteria Version 2. Collection method: clinical testing. Allele origin: germline. Affected: yes. Observed: 1 variant allele.
Comment: H2BC14: BP4, BP7

NM_003521.3(H2BC14):c.213T>C (p.Phe71=)

Genes: H2BC14 (H2B clustered histone 14; plus strand), LOC129996134 (ATAC-STARR-seq lymphoblastoid active region 24312; plus strand). Cytogenetic location: 6p22.1.
Variant type: single nucleotide variant.
Coding change: c.213T>C on transcript NM_003521.3 (MANE Select); coding-DNA position 213, T replaced by C.
Protein change: p.Phe71=; no amino-acid change (phenylalanine 71 retained).
Molecular consequence: synonymous variant.
Genome position (GRCh38, 1-based): chr6:27,815,256, T>C. VCF-style: chr6-27815256-T-C. GRCh37 (hg19) VCF-style: chr6-27783034-T-C.
Identifiers: ClinVar variation 4681458 (VCV004681458.5).